The following is an entry in ClinVar:

ClinVar aggregate classification (germline): Conflicting classifications of pathogenicity. Review status: criteria provided, conflicting classifications (1 of 4 stars). 3 submissions from 3 submitters: Uncertain significance (2); Likely benign (1). Last evaluated 2026-09-11.

Conditions:
Hereditary cancer-predisposing syndrome. Also called: Tumor predisposition; Hereditary Cancer Syndrome; Neoplastic Syndromes, Hereditary; Hereditary neoplastic syndrome. Identifiers: Orphanet 140162, MedGen C0027672, MeSH D009386, MONDO:0015356.
Peutz-Jeghers syndrome (PJS). Also called: POLYPOSIS, HAMARTOMATOUS INTESTINAL; POLYPS-AND-SPOTS SYNDROME; Peutz-Jeghers polyposis; Periorificial lentiginosis syndrome. Identifiers: Orphanet 2869, MedGen C0031269, MeSH D010580, MONDO:0008280, OMIM 175200.

gnomAD v4.1: 6 of 1,611,218 alleles (0.00037%); highest among the groups gnomAD compares: Non-Finnish European, 0.00051%; no homozygotes.

Submissions (3):

Ambry Genetics
Classification: Likely benign for Hereditary cancer-predisposing syndrome. Last evaluated: 2026-09-11. Review status: criteria provided, single submitter. Criteria: Ambry Variant Classification Scheme 2023. Collection method: clinical testing. Allele origin: germline.

Color Diagnostics, LLC DBA Color Health
Classification: Uncertain significance for Hereditary cancer-predisposing syndrome. Last evaluated: 2025-05-28. Review status: criteria provided, single submitter. Criteria: ACMG Guidelines, 2015. Collection method: clinical testing. Allele origin: germline.
Comment: This missense variant replaces arginine with glycine at codon 384 of the STK11 protein. Computational prediction suggests that this variant may not impact protein structure and function. To our knowledge, functional studies have not been reported for this variant. This variant has not been reported in individuals affected with STK11-related disorders in the literature. This variant has not been identified in the general population by the Genome Aggregation Database (gnomAD). The available evidence is insufficient to determine the role of this variant in disease conclusively. Therefore, this variant is classified as a Variant of Uncertain Significance.

Labcorp Genetics (formerly Invitae), Labcorp
Classification: Uncertain significance for Peutz-Jeghers syndrome. Last evaluated: 2024-12-12. Review status: criteria provided, single submitter. Criteria: Invitae Variant Classification Sherloc (09022015). Collection method: clinical testing. Allele origin: germline.
Comment: This sequence change replaces arginine, which is basic and polar, with glycine, which is neutral and non-polar, at codon 384 of the STK11 protein (p.Arg384Gly). This variant is not present in population databases (gnomAD no frequency). This variant has not been reported in the literature in individuals affected with STK11-related conditions. ClinVar contains an entry for this variant (Variation ID: 818422). Invitae Evidence Modeling of protein sequence and biophysical properties (such as structural, functional, and spatial information, amino acid conservation, physicochemical variation, residue mobility, and thermodynamic stability) indicates that this missense variant is not expected to disrupt STK11 protein function with a negative predictive value of 95%. In summary, the available evidence is currently insufficient to determine the role of this variant in disease. Therefore, it has been classified as a Variant of Uncertain Significance.

NM_000455.5(STK11):c.1150C>G (p.Arg384Gly)

Gene: STK11 (serine/threonine kinase 11; plus strand). Cytogenetic location: 19p13.3.
Variant type: single nucleotide variant.
Coding change: c.1150C>G on transcript NM_000455.5 (MANE Select); coding-DNA position 1150, C replaced by G.
Protein change: p.Arg384Gly; replaces arginine 384 with glycine.
Molecular consequence: missense variant.
Genome position (GRCh38, 1-based): chr19:1,226,495, C>G. VCF-style: chr19-1226495-C-G. GRCh37 (hg19) VCF-style: chr19-1226494-C-G.
Other names: short protein forms R384G.
Identifiers: ClinVar variation 818422 (VCV000818422.9), dbSNP rs752015385, ClinGen allele CA402953378.